The following is an entry in ClinVar:

NM_001077365.2(POMT1):c.2068G>A (p.Val690Met)

Gene: POMT1 (protein O-mannosyltransferase 1; plus strand). Cytogenetic location: 9q34.13.
Variant type: single nucleotide variant.
Coding change: c.2068G>A on transcript NM_001077365.2 (MANE Select); coding-DNA position 2068, G replaced by A.
Protein change: p.Val690Met; replaces valine 690 with methionine.
Molecular consequence: missense variant. On other transcripts: non-coding transcript variant (10).
Genome position (GRCh38, 1-based): chr9:131,522,996, G>A. VCF-style: chr9-131522996-G-A. GRCh37 (hg19) VCF-style: chr9-134398383-G-A.
Other names: c.1906G>A, p.Val636Met (NM_001077366.2, NM_001353194.2); c.2068G>A, p.Val690Met (NM_001136113.2); c.1717G>A, p.Val573Met (NM_001136114.2, NM_001353195.2, NM_001374691.1 and 2 more transcripts); c.2134G>A, p.Val712Met (NM_001353193.2, NM_007171.4); c.1978G>A, p.Val660Met (NM_001353196.2); c.1972G>A, p.Val658Met (NM_001353197.2, NM_001353198.2); c.1783G>A, p.Val595Met (NM_001353199.2); c.1612G>A, p.Val538Met (NM_001353200.2); and 3 more; short protein forms V538M, V573M, V595M, V636M, V658M, V660M, V686M, V690M.
Identifiers: ClinVar variation 805235 (VCV000805235.8), dbSNP rs150209587, ClinGen allele CA5293928.
Genomic context (GRCh38, chr9:131,522,996, plus strand): 5'-CAGCTCCAGAGGAGCATCTTCAGCGCCCTGGTGGTGGCCTGGTACTCCTCCGCGTGCCAC[G>A]TGTCCAACACGCTGCGCCCACTCACCTACGGGGACAAGTCACTCTCGCCACATGAACTCA-3'
Protein context (NP_001070833.1, residues 680-700): VVAWYSSACH[Val690Met]SNTLRPLTYG

ClinVar aggregate classification (germline): Uncertain significance. Review status: criteria provided, multiple submitters, no conflicts (2 of 4 stars). 3 submissions from 3 submitters: Uncertain significance (3). Last evaluated 2023-10-27.

Conditions:
Walker-Warburg congenital muscular dystrophy. Also called: Muscular dystrophy-dystroglycanopathy, type A; Walker-Warburg syndrome. Identifiers: Orphanet 899, MedGen C0265221, MONDO:0000171.
Autosomal recessive limb-girdle muscular dystrophy type 2K. Also called: MUSCULAR DYSTROPHY, LIMB-GIRDLE, TYPE 2K; MUSCULAR DYSTROPHY-DYSTROGLYCANOPATHY (LIMB-GIRDLE), TYPE C, 1. Identifiers: Orphanet 86812, MedGen C1836373, MONDO:0012248, OMIM 609308.
Muscular dystrophy-dystroglycanopathy (congenital with impaired intellectual development), type B, 1. Also called: MUSCULAR DYSTROPHY, CONGENITAL, POMT1-RELATED; Muscular dystrophy-dystroglycanopathy (congenital with intellectual disability), type B1. Identifiers: MedGen C5436962, MONDO:0013159, OMIM 613155.

Allele frequency attached by ClinVar (database versions not stated): gnomAD 0.00001; ESP Exome Variant Server 0.00008; TOPMed 0.00002.
gnomAD v4.1: 59 of 1,608,214 alleles (0.0037%); highest among the groups gnomAD compares: South Asian, 0.046%; no homozygotes.

Submissions (3):

Revvity Omics, Revvity
Classification: Uncertain significance. Last evaluated: 2023-10-27. Review status: criteria provided, single submitter. Criteria: ACMG Guidelines, 2015. Collection method: clinical testing. Allele origin: germline.

Labcorp Genetics (formerly Invitae), Labcorp
Classification: Uncertain significance for Muscular dystrophy-dystroglycanopathy (congenital with impaired intellectual development), type B, 1; Walker-Warburg congenital muscular dystrophy; Autosomal recessive limb-girdle muscular dystrophy type 2K. Last evaluated: 2022-10-17. Review status: criteria provided, single submitter. Criteria: Invitae Variant Classification Sherloc (09022015). Collection method: clinical testing. Allele origin: germline.
Comment: This sequence change replaces valine, which is neutral and non-polar, with methionine, which is neutral and non-polar, at codon 712 of the POMT1 protein (p.Val712Met). This variant is present in population databases (rs150209587, gnomAD 0.03%). This variant has not been reported in the literature in individuals affected with POMT1-related conditions. ClinVar contains an entry for this variant (Variation ID: 805235). Advanced modeling of protein sequence and biophysical properties (such as structural, functional, and spatial information, amino acid conservation, physicochemical variation, residue mobility, and thermodynamic stability) performed at Invitae indicates that this missense variant is not expected to disrupt POMT1 protein function. In summary, the available evidence is currently insufficient to determine the role of this variant in disease. Therefore, it has been classified as a Variant of Uncertain Significance.

Athena Diagnostics
Classification: Uncertain significance. Last evaluated: 2018-09-19. Review status: criteria provided, single submitter. Criteria: Athena Diagnostics Criteria. Collection method: clinical testing. Allele origin: germline.